The following is an entry in ClinVar:

NM_015512.5(DNAH1):c.4081G>A (p.Ala1361Thr)

Gene: DNAH1 (dynein axonemal heavy chain 1; plus strand). Cytogenetic location: 3p21.1.
Variant type: single nucleotide variant.
Coding change: c.4081G>A on transcript NM_015512.5 (MANE Select); coding-DNA position 4081, G replaced by A.
Protein change: p.Ala1361Thr; replaces alanine 1361 with threonine.
Molecular consequence: missense variant.
Genome position (GRCh38, 1-based): chr3:52,357,998, G>A. VCF-style: chr3-52357998-G-A. GRCh37 (hg19) VCF-style: chr3-52392014-G-A.
Other names: short protein forms A1361T.
Identifiers: ClinVar variation 478446 (VCV000478446.5), dbSNP rs1464145145, ClinGen allele CA353124363.

ClinVar aggregate classification (germline): Uncertain significance (1 of 4 stars; one submission).

Conditions:
Spermatogenic failure 18. Identifiers: MedGen C4539783, MONDO:0054615, OMIM 617576.
Ciliary dyskinesia, primary, 37 (CILD37). Also called: CILIARY DYSKINESIA, PRIMARY, 37, WITH OR WITHOUT SITUS INVERSUS. Identifiers: MedGen C4539798, MONDO:0033204, OMIM 617577.

Allele frequency attached by ClinVar (database versions not stated): gnomAD exomes below 0.00001; gnomAD 0.00001; TOPMed 0.00001.
gnomAD v4.1: 5 of 1,602,492 alleles (0.00031%); highest among the groups gnomAD compares: African/African-American, 0.0013%; no homozygotes.

Submission:

Labcorp Genetics (formerly Invitae), Labcorp
Classification: Uncertain significance for Ciliary dyskinesia, primary, 37; Spermatogenic failure 18. Last evaluated: 2017-07-06. Review status: criteria provided, single submitter. Criteria: Invitae Variant Classification Sherloc (09022015). Collection method: clinical testing. Allele origin: germline.
Comment: This sequence change replaces alanine with threonine at codon 1361 of the DNAH1 protein (p.Ala1361Thr). The alanine residue is highly conserved and there is a small physicochemical difference between alanine and threonine. In summary, the available evidence is currently insufficient to determine the role of this variant in disease. Therefore, it has been classified as a Variant of Uncertain Significance. Algorithms developed to predict the effect of missense changes on protein structure and function do not agree on the potential impact of this missense change (SIFT: "Deleterious"; PolyPhen-2: "Benign"; Align-GVGD: "Class C0"). This variant has not been reported in the literature in individuals with DNAH1-related disease. This variant is not present in population databases (ExAC no frequency).